The following is an entry in ClinVar:

ClinVar aggregate classification (germline): Uncertain significance. Review status: criteria provided, multiple submitters, no conflicts (2 of 4 stars). 2 submissions from 2 submitters: Uncertain significance (2). Last evaluated 2025-02-21.

Allele frequency attached by ClinVar (database versions not stated): gnomAD exomes below 0.00001; TOPMed below 0.00001; ExAC 0.00001.
gnomAD v4.1: 1 of 1,614,212 alleles (0.000062%); highest among the groups gnomAD compares: East Asian, 0.0022%; no homozygotes.

Submissions (2):

Labcorp Genetics (formerly Invitae), Labcorp
Classification: Uncertain significance. Last evaluated: 2025-02-21. Review status: criteria provided, single submitter. Criteria: Invitae Variant Classification Sherloc (09022015). Collection method: clinical testing. Allele origin: germline.
Comment: This sequence change replaces leucine, which is neutral and non-polar, with proline, which is neutral and non-polar, at codon 576 of the RINT1 protein (p.Leu576Pro). This variant is present in population databases (rs766456687, gnomAD 0.0009%). This variant has not been reported in the literature in individuals affected with RINT1-related conditions. ClinVar contains an entry for this variant (Variation ID: 1778886). An algorithm developed to predict the effect of missense changes on protein structure and function (PolyPhen-2) suggests that this variant is likely to be disruptive. In summary, the available evidence is currently insufficient to determine the role of this variant in disease. Therefore, it has been classified as a Variant of Uncertain Significance.

Ambry Genetics
Classification: Uncertain significance. Last evaluated: 2024-06-26. Review status: criteria provided, single submitter. Criteria: Ambry Variant Classification Scheme 2023. Collection method: clinical testing. Allele origin: germline.
Comment: The p.L576P variant (also known as c.1727T>C), located in coding exon 12 of the RINT1 gene, results from a T to C substitution at nucleotide position 1727. The leucine at codon 576 is replaced by proline, an amino acid with similar properties. This amino acid position is conserved. In addition, this alteration is predicted to be tolerated by in silico analysis. Since supporting evidence is limited at this time, the clinical significance of this alteration remains unclear.

NM_021930.6(RINT1):c.1727T>C (p.Leu576Pro)

Gene: RINT1 (RAD50 interactor 1; plus strand). Cytogenetic location: 7q22.3.
Variant type: single nucleotide variant.
Coding change: c.1727T>C on transcript NM_021930.6 (MANE Select); coding-DNA position 1727, T replaced by C.
Protein change: p.Leu576Pro; replaces leucine 576 with proline.
Molecular consequence: missense variant. On other transcripts: non-coding transcript variant (1).
Genome position (GRCh38, 1-based): chr7:105,563,788, T>C. VCF-style: chr7-105563788-T-C. GRCh37 (hg19) VCF-style: chr7-105204235-T-C.
Other names: c.1493T>C, p.Leu498Pro (NM_001346599.2); c.704T>C, p.Leu235Pro (NM_001346600.2, NM_001346603.2); c.803T>C, p.Leu268Pro (NM_001346601.2); short protein forms L235P, L576P, L498P, L268P.
Identifiers: ClinVar variation 1778886 (VCV001778886.8), dbSNP rs766456687, ClinGen allele CA4426761.